The following is an entry in ClinVar:

ClinVar aggregate classification (germline): Uncertain significance (1 of 4 stars; one submission).

Submission:

GeneDx
Classification: Uncertain significance. Last evaluated: 2022-06-14. Review status: criteria provided, single submitter. Criteria: GeneDx Variant Classification Process June 2021. Collection method: clinical testing. Allele origin: germline. Affected: yes.
Comment: Not observed at significant frequency in large population cohorts (gnomAD); In silico analysis supports that this missense variant does not alter protein structure/function; Has not been previously published as pathogenic or benign to our knowledge

NM_004699.4(FAM50A):c.322G>C (p.Glu108Gln)

Gene: FAM50A (family with sequence similarity 50 member A; plus strand). Cytogenetic location: Xq28.
Variant type: single nucleotide variant.
Coding change: c.322G>C on transcript NM_004699.4 (MANE Select); coding-DNA position 322, G replaced by C.
Protein change: p.Glu108Gln; replaces glutamic acid 108 with glutamine.
Molecular consequence: missense variant.
Genome position (GRCh38, 1-based): chrX:154,446,440, G>C. VCF-style: chrX-154446440-G-C. GRCh37 (hg19) VCF-style: chrX-153674788-G-C.
Other names: short protein forms E108Q.
Identifiers: ClinVar variation 1804313 (VCV001804313.1), dbSNP rs2523040032, ClinGen allele CA415215457.